The following is an entry in ClinVar:

NM_006567.5(FARS2):c.101C>T (p.Ser34Leu)

Genes: FARS2 (phenylalanyl-tRNA synthetase 2, mitochondrial; plus strand), LOC126859565 (CDK7 strongly-dependent group 2 enhancer GRCh37_chr6:5368745-5369944; plus strand). Cytogenetic location: 6p25.1.
Variant type: single nucleotide variant.
Coding change: c.101C>T on transcript NM_006567.5 (MANE Select); coding-DNA position 101, C replaced by T.
Protein change: p.Ser34Leu; replaces serine 34 with leucine.
Molecular consequence: missense variant. On other transcripts: intron variant (2).
Genome position (GRCh38, 1-based): chr6:5,368,671, C>T. VCF-style: chr6-5368671-C-T. GRCh37 (hg19) VCF-style: chr6-5368904-C-T.
Other names: p.Ser34Leu; c.101C>T (NM_006567.4); c.101C>T, p.Ser34Leu (NM_001318872.2, NM_001374875.1, NM_001374876.1 and 5 more transcripts); c.-340-27962C>T (NM_001375260.1); c.-84-35871C>T (NM_001375259.1); short protein forms S34L.
Identifiers: ClinVar variation 214326 (VCV000214326.13), dbSNP rs148568494, ClinGen allele CA324244.

ClinVar aggregate classification (germline): Conflicting classifications of pathogenicity. Review status: criteria provided, conflicting classifications (1 of 4 stars). 2 submissions from 2 submitters: Uncertain significance (1); Likely benign (1). Last evaluated 2025-10-23.

Conditions:
Combined oxidative phosphorylation defect type 14. Also called: Combined oxidative phosphorylation deficiency 14. Identifiers: Orphanet 319519, MedGen C4755312, MONDO:0013986, OMIM 614946.

Allele frequency attached by ClinVar (database versions not stated): TOPMed 0.00022; 1000 Genomes Project 0.00080; gnomAD 0.00029; 1000 Genomes Project 30x 0.00078; gnomAD exomes 0.00012; ExAC 0.00017; ESP Exome Variant Server 0.00046.
gnomAD v4.1: 105 of 1,614,152 alleles (0.0065%); highest among the groups gnomAD compares: African/African-American, 0.079%; no homozygotes.

Submissions (2):

Labcorp Genetics (formerly Invitae), Labcorp
Classification: Likely benign for Combined oxidative phosphorylation defect type 14. Last evaluated: 2025-10-23. Review status: criteria provided, single submitter. Criteria: Invitae Variant Classification Sherloc (09022015). Collection method: clinical testing. Allele origin: germline.

Mayo Clinic Laboratories, Mayo Clinic
Classification: Uncertain significance. Last evaluated: 2022-03-31. Review status: criteria provided, single submitter. Criteria: ACMG Guidelines, 2015. Collection method: clinical testing. Allele origin: germline. Observed: 1 variant allele.
Comment: BP4